The following is an entry in ClinVar:

ClinVar aggregate classification (germline): Uncertain significance (1 of 4 stars; one submission).

Conditions:
Familial hemiplegic migraine. Identifiers: MedGen C0338484, MONDO:0000700.

Submission:

Labcorp Genetics (formerly Invitae), Labcorp
Classification: Uncertain significance for Familial hemiplegic migraine. Last evaluated: 2022-08-05. Review status: criteria provided, single submitter. Criteria: Invitae Variant Classification Sherloc (09022015). Collection method: clinical testing. Allele origin: germline.
Comment: This sequence change replaces glycine, which is neutral and non-polar, with arginine, which is basic and polar, at codon 701 of the ATP1A2 protein (p.Gly701Arg). In summary, the available evidence is currently insufficient to determine the role of this variant in disease. Therefore, it has been classified as a Variant of Uncertain Significance. Advanced modeling of protein sequence and biophysical properties (such as structural, functional, and spatial information, amino acid conservation, physicochemical variation, residue mobility, and thermodynamic stability) performed at Invitae indicates that this missense variant is expected to disrupt ATP1A2 protein function. This variant has not been reported in the literature in individuals affected with ATP1A2-related conditions. This variant is not present in population databases (gnomAD no frequency).

NM_000702.4(ATP1A2):c.2101G>A (p.Gly701Arg)

Gene: ATP1A2 (ATPase Na+/K+ transporting subunit alpha 2; plus strand). Cytogenetic location: 1q23.2.
Variant type: single nucleotide variant.
Coding change: c.2101G>A on transcript NM_000702.4 (MANE Select); coding-DNA position 2101, G replaced by A.
Protein change: p.Gly701Arg; replaces glycine 701 with arginine.
Molecular consequence: missense variant.
Genome position (GRCh38, 1-based): chr1:160,135,281, G>A. VCF-style: chr1-160135281-G-A. GRCh37 (hg19) VCF-style: chr1-160105071-G-A.
Other names: short protein forms G701R.
Identifiers: ClinVar variation 1715108 (VCV001715108.5), dbSNP rs2524886336, ClinGen allele CA343248757.
Genomic context (GRCh38, chr1:160,135,281, plus strand): 5'-AACCACACAGAGATCGTCTTTGCTCGAACGTCTCCCCAGCAGAAGCTCATCATTGTGGAG[G>A]GATGTCAGAGGCAGGTGAGCACAGCCACGGGAGGCAGATGACAGGCAGGGACCGGGGAGG-3'
Protein context (NP_000693.1, residues 691-711): SPQQKLIIVE[Gly701Arg]CQRQGAIVAV